The following is an entry in ClinVar:

NM_001110556.2(FLNA):c.889A>C (p.Met297Leu)

Gene: FLNA (filamin A; minus strand). Cytogenetic location: Xq28.
Variant type: single nucleotide variant.
Coding change: c.889A>C on transcript NM_001110556.2 (MANE Select); coding-DNA position 889, A replaced by C.
Protein change: p.Met297Leu; replaces methionine 297 with leucine.
Molecular consequence: missense variant.
Genome position (GRCh38, 1-based): chrX:154,366,830, T>G on the plus strand (A>C on the coding strand, the complement: FLNA is on the minus strand). VCF-style: chrX-154366830-T-G. GRCh37 (hg19) VCF-style: chrX-153595198-T-G.
Other names: c.889A>C, p.Met297Leu (NM_001456.4); short protein forms M297L.
Identifiers: ClinVar variation 1375310 (VCV001375310.8), dbSNP rs2148118498, ClinGen allele CA415248068.

ClinVar aggregate classification (germline): Uncertain significance (1 of 4 stars; one submission).

Conditions:
Heterotopia, periventricular, X-linked dominant (PVNH1). Also called: PERIVENTRICULAR NODULAR HETEROTOPIA 4; HETEROTOPIA, PERIVENTRICULAR, 1; PERIVENTRICULAR NODULAR HETEROTOPIA 1; X-linked periventricular heterotopia. Identifiers: Orphanet 2149, Orphanet 82004, MedGen C1848213, MONDO:0010233, OMIM 300049.
Melnick-Needles syndrome (MNS). Also called: MELNICK-NEEDLES OSTEODYSPLASTY; OSTEODYSPLASTY OF MELNICK AND NEEDLES; Melnick-Needles Syndrome (FLNA-MNS). Identifiers: Orphanet 2484, MedGen C0025237, MONDO:0010650, OMIM 309350.
Frontometaphyseal dysplasia (FMD1). Identifiers: Orphanet 1826, MedGen C0265293, MONDO:0015942.
Oto-palato-digital syndrome, type II (OPD2). Also called: FACIOPALATOOSSEOUS SYNDROME; OPD II SYNDROME; Otopalatodigital Syndrome, Type II; Otopalatodigital Syndrome Type 2 (FLNA-OPD2). Identifiers: Orphanet 669, Orphanet 90652, MedGen C1844696, MONDO:0010571, OMIM 304120.

Submission:

Labcorp Genetics (formerly Invitae), Labcorp
Classification: Uncertain significance for Oto-palato-digital syndrome, type II; Heterotopia, periventricular, X-linked dominant; Frontometaphyseal dysplasia; Melnick-Needles syndrome. Last evaluated: 2022-07-12. Review status: criteria provided, single submitter. Criteria: Invitae Variant Classification Sherloc (09022015). Collection method: clinical testing. Allele origin: germline.
Comment: This variant is not present in population databases (gnomAD no frequency). In summary, the available evidence is currently insufficient to determine the role of this variant in disease. Therefore, it has been classified as a Variant of Uncertain Significance. Advanced modeling of protein sequence and biophysical properties (such as structural, functional, and spatial information, amino acid conservation, physicochemical variation, residue mobility, and thermodynamic stability) performed at Invitae indicates that this missense variant is not expected to disrupt FLNA protein function. ClinVar contains an entry for this variant (Variation ID: 1375310). This variant has not been reported in the literature in individuals affected with FLNA-related conditions. This sequence change replaces methionine, which is neutral and non-polar, with leucine, which is neutral and non-polar, at codon 297 of the FLNA protein (p.Met297Leu).